The following is an entry in ClinVar:

ClinVar aggregate classification (germline): Uncertain significance (1 of 4 stars; one submission).

gnomAD v4.1: 2 of 1,614,088 alleles (0.00012%); highest among the groups gnomAD compares: Non-Finnish European, 0.00017%; no homozygotes.

Submission:

GeneDx
Classification: Uncertain significance. Last evaluated: 2019-11-05. Review status: criteria provided, single submitter. Criteria: GeneDx Variant Classification Process June 2021. Collection method: clinical testing. Allele origin: germline. Affected: yes.
Comment: Not observed at a significant frequency in large population cohorts (Lek et al., 2016); In silico analysis, which includes protein predictors and evolutionary conservation, supports that this variant does not alter protein structure/function; Has not been previously published as pathogenic or benign to our knowledge

NM_001199799.2(ILDR1):c.1120C>T (p.Pro374Ser)

Gene: ILDR1 (immunoglobulin like domain containing receptor 1; minus strand). Cytogenetic location: 3q13.33.
Variant type: single nucleotide variant.
Coding change: c.1120C>T on transcript NM_001199799.2 (MANE Select); coding-DNA position 1120, C replaced by T.
Protein change: p.Pro374Ser; replaces proline 374 with serine.
Molecular consequence: missense variant.
Genome position (GRCh38, 1-based): chr3:121,993,629, G>A on the plus strand (C>T on the coding strand, the complement: ILDR1 is on the minus strand). VCF-style: chr3-121993629-G-A. GRCh37 (hg19) VCF-style: chr3-121712476-G-A.
Other names: c.853C>T, p.Pro285Ser (NM_001199800.2); c.988C>T, p.Pro330Ser (NM_175924.4); short protein forms P285S, P330S, P374S.
Identifiers: ClinVar variation 1310002 (VCV001310002.2), dbSNP rs763959563, ClinGen allele CA354143856.